The following is an entry in ClinVar:

ClinVar aggregate classification (germline): Uncertain significance (1 of 4 stars; one submission).

Conditions:
Werner syndrome (WRN). Identifiers: Orphanet 902, MedGen C0043119, MONDO:0010196, OMIM 277700.

Submission:

Labcorp Genetics (formerly Invitae), Labcorp
Classification: Uncertain significance for Werner syndrome. Last evaluated: 2022-11-15. Review status: criteria provided, single submitter. Criteria: Invitae Variant Classification Sherloc (09022015). Collection method: clinical testing. Allele origin: germline.
Comment: This variant is not present in population databases (gnomAD no frequency). This sequence change replaces proline, which is neutral and non-polar, with alanine, which is neutral and non-polar, at codon 45 of the WRN protein (p.Pro45Ala). This variant has not been reported in the literature in individuals affected with WRN-related conditions. Algorithms developed to predict the effect of missense changes on protein structure and function are either unavailable or do not agree on the potential impact of this missense change (SIFT: "Not Available"; PolyPhen-2: "Possibly Damaging"; Align-GVGD: "Not Available"). In summary, the available evidence is currently insufficient to determine the role of this variant in disease. Therefore, it has been classified as a Variant of Uncertain Significance.

NM_000553.6(WRN):c.133C>G (p.Pro45Ala)

Gene: WRN (WRN RecQ like helicase; plus strand). Cytogenetic location: 8p12.
Variant type: single nucleotide variant.
Coding change: c.133C>G on transcript NM_000553.6 (MANE Select); coding-DNA position 133, C replaced by G.
Protein change: p.Pro45Ala; replaces proline 45 with alanine.
Molecular consequence: missense variant.
Genome position (GRCh38, 1-based): chr8:31,059,189, C>G. VCF-style: chr8-31059189-C-G. GRCh37 (hg19) VCF-style: chr8-30916705-C-G.
Other names: short protein forms P45A.
Identifiers: ClinVar variation 1721852 (VCV001721852.5), dbSNP rs1318227760, ClinGen allele CA370912447.